The following is an entry in ClinVar:

ClinVar aggregate classification (germline): Uncertain significance (1 of 4 stars; one submission).

Conditions:
Severe combined immunodeficiency due to DNA-PKcs deficiency. Also called: Immunodeficiency 26 with or without neurologic abnormalities; IMMUNODEFICIENCY 26 WITH NEUROLOGIC ABNORMALITIES. Identifiers: Orphanet 317425, MedGen C4014833, MONDO:0014423, OMIM 615966.

Submission:

Labcorp Genetics (formerly Invitae), Labcorp
Classification: Uncertain significance for Severe combined immunodeficiency due to DNA-PKcs deficiency. Last evaluated: 2021-04-24. Review status: criteria provided, single submitter. Criteria: Invitae Variant Classification Sherloc (09022015). Collection method: clinical testing. Allele origin: germline.
Comment: This sequence change replaces methionine with isoleucine at codon 208 of the PRKDC protein (p.Met208Ile). The methionine residue is highly conserved and there is a small physicochemical difference between methionine and isoleucine. In summary, the available evidence is currently insufficient to determine the role of this variant in disease. Therefore, it has been classified as a Variant of Uncertain Significance. Experimental studies and prediction algorithms are not available or were not evaluated, and the functional significance of this variant is currently unknown. This variant has not been reported in the literature in individuals with PRKDC-related conditions. This variant is not present in population databases (ExAC no frequency).

NM_006904.7(PRKDC):c.624G>A (p.Met208Ile)

Gene: PRKDC (protein kinase, DNA-activated, catalytic subunit; minus strand). Cytogenetic location: 8q11.21.
Variant type: single nucleotide variant.
Coding change: c.624G>A on transcript NM_006904.7 (MANE Select); coding-DNA position 624, G replaced by A.
Protein change: p.Met208Ile; replaces methionine 208 with isoleucine.
Molecular consequence: missense variant.
Genome position (GRCh38, 1-based): chr8:47,953,717, C>T on the plus strand (G>A on the coding strand, the complement: PRKDC is on the minus strand). VCF-style: chr8-47953717-C-T. GRCh37 (hg19) VCF-style: chr8-48866277-C-T.
Other names: c.624G>A, p.Met208Ile (NM_001081640.2); short protein forms M208I.
Identifiers: ClinVar variation 1470250 (VCV001470250.6), dbSNP rs2154504570, ClinGen allele CA371138639.